The following is an entry in ClinVar:

NM_002474.3(MYH11):c.2157C>T (p.Ile719=)

Gene: MYH11 (myosin heavy chain 11; minus strand). Cytogenetic location: 16p13.11.
Variant type: single nucleotide variant.
Coding change: c.2157C>T on transcript NM_002474.3 (MANE Select); coding-DNA position 2157, C replaced by T.
Protein change: p.Ile719=; no amino-acid change (isoleucine 719 retained).
Molecular consequence: synonymous variant.
Genome position (GRCh38, 1-based): chr16:15,748,070, G>A on the plus strand (C>T on the coding strand, the complement: MYH11 is on the minus strand). VCF-style: chr16-15748070-G-A. GRCh37 (hg19) VCF-style: chr16-15841927-G-A.
Other names: c.2178C>T, p.Ile726= (NM_001040113.2, NM_001040114.2); c.2157C>T, p.Ile719= (NM_022844.3).
Identifiers: ClinVar variation 386210 (VCV000386210.18), dbSNP rs561099193, ClinGen allele CA7922380.

ClinVar aggregate classification (germline): Likely benign. Review status: criteria provided, multiple submitters, no conflicts (2 of 4 stars). 5 submissions from 5 submitters: Likely benign (5). Last evaluated 2025-10-23.

Conditions:
Familial thoracic aortic aneurysm and aortic dissection (TAAD). Also called: Thoracic aortic aneurysms and dissections. Identifiers: Orphanet 91387, MedGen C4707243, MONDO:0019625.
Aortic aneurysm, familial thoracic 4 (AAT4). Also called: AORTIC ANEURYSM/AORTIC DISSECTION AND PATENT DUCTUS ARTERIOSUS. Identifiers: MedGen C1851504, MONDO:0007568, OMIM 132900.

Allele frequency attached by ClinVar (database versions not stated): ExAC 0.00001; TOPMed 0.00001.
gnomAD v4.1: 12 of 1,614,188 alleles (0.00074%); highest among the groups gnomAD compares: African/African-American, 0.004%; no homozygotes.

Submissions (5):

Labcorp Genetics (formerly Invitae), Labcorp
Classification: Likely benign for Aortic aneurysm, familial thoracic 4. Last evaluated: 2025-10-23. Review status: criteria provided, single submitter. Criteria: Invitae Variant Classification Sherloc (09022015). Collection method: clinical testing. Allele origin: germline.

All of Us Research Program, National Institutes of Health
Classification: Likely benign for Familial thoracic aortic aneurysm and aortic dissection. Last evaluated: 2023-10-27. Review status: criteria provided, single submitter. Criteria: ACMG Guidelines, 2015. Collection method: clinical testing. Allele origin: germline. Inheritance: Autosomal dominant inheritance. Observed: 3 variant alleles, 3 heterozygotes.
Comment: This study involves interpretation of variants in research participants for the purpose of population health screening. Participant phenotype was not available at the time of variant classification. Additional details can be found in publication PMID: 35346344, PMCID: PMC8962531

Color Diagnostics, LLC DBA Color Health
Classification: Likely benign for Familial thoracic aortic aneurysm and aortic dissection. Last evaluated: 2019-07-15. Review status: criteria provided, single submitter. Criteria: ACMG Guidelines, 2015. Collection method: clinical testing. Allele origin: germline.

GeneDx
Classification: Likely benign. Last evaluated: 2019-04-01. Review status: criteria provided, single submitter. Criteria: GeneDx Variant Classification Process June 2021. Collection method: clinical testing. Allele origin: germline. Affected: yes.

Ambry Genetics
Classification: Likely benign for Familial thoracic aortic aneurysm and aortic dissection. Last evaluated: 2017-02-14. Review status: criteria provided, single submitter. Criteria: Ambry Variant Classification Scheme 2023. Collection method: clinical testing. Allele origin: germline.